The following is an entry in ClinVar:

NM_003640.5(ELP1):c.3573-6T>C

Gene: ELP1 (elongator acetyltransferase complex subunit 1; minus strand). Cytogenetic location: 9q31.3.
Variant type: single nucleotide variant.
Coding change: c.3573-6T>C on transcript NM_003640.5 (MANE Select); 6 bases into the intron before coding-DNA position 3573, T replaced by C.
Molecular consequence: intron variant.
Genome position (GRCh38, 1-based): chr9:108,878,756, A>G on the plus strand (T>C on the coding strand, the complement: ELP1 is on the minus strand). VCF-style: chr9-108878756-A-G. GRCh37 (hg19) VCF-style: chr9-111641036-A-G.
Other names: c.3231-6T>C (NM_001318360.2); c.2526-6T>C (NM_001330749.2).
Identifiers: ClinVar variation 1800450 (VCV001800450.2), dbSNP rs1282241388, ClinGen allele CA858460014.

ClinVar aggregate classification (germline): Uncertain significance (1 of 4 stars; one submission).

Allele frequency attached by ClinVar (database versions not stated): TOPMed below 0.00001; gnomAD 0.00001.
gnomAD v4.1: 1 of 1,613,718 alleles (0.000062%); highest among the groups gnomAD compares: Non-Finnish European, 0.000085%; no homozygotes.

Submission:

Ambry Genetics
Classification: Uncertain significance. Last evaluated: 2019-11-27. Review status: criteria provided, single submitter. Criteria: Ambry Variant Classification Scheme 2023. Collection method: clinical testing. Allele origin: germline.
Comment: The c.3573-6T>C intronic variant results from a T to C substitution 6 nucleotides upstream from coding exon 33 in the IKBKAP gene. This nucleotide position is well conserved in available vertebrate species. Using the BDGP and ESEfinder splice site prediction tools, this alteration is not predicted to have any significant effect on this splice acceptor/donor site; however, direct evidence is unavailable. Since supporting evidence is limited at this time, the clinical significance of this alteration remains unclear.